The following is an entry in ClinVar:

ClinVar aggregate classification (germline): Uncertain significance (1 of 4 stars; one submission).

Conditions:
Catecholaminergic polymorphic ventricular tachycardia (CVPT). Also called: Catecholamine-induced polymorphic ventricular tachycardia. Identifiers: Orphanet 3286, MedGen C5574922, MONDO:0017990.

Submission:

All of Us Research Program, National Institutes of Health
Classification: Uncertain significance for Catecholaminergic polymorphic ventricular tachycardia. Last evaluated: 2023-06-27. Review status: criteria provided, single submitter. Criteria: ACMG Guidelines, 2015. Collection method: clinical testing. Allele origin: germline. Inheritance: Autosomal dominant inheritance. Observed: 1 variant allele, 1 heterozygote.
Comment: This study involves interpretation of variants in research participants for the purpose of population health screening. Participant phenotype was not available at the time of variant classification. Additional details can be found in publication PMID: 35346344, PMCID: PMC8962531

NM_001035.3(RYR2):c.2387C>T (p.Ala796Val)

Gene: RYR2 (ryanodine receptor 2; plus strand). Cytogenetic location: 1q43.
Variant type: single nucleotide variant.
Coding change: c.2387C>T on transcript NM_001035.3 (MANE Select); coding-DNA position 2387, C replaced by T.
Protein change: p.Ala796Val; replaces alanine 796 with valine.
Molecular consequence: missense variant.
Genome position (GRCh38, 1-based): chr1:237,500,894, C>T. VCF-style: chr1-237500894-C-T. GRCh37 (hg19) VCF-style: chr1-237664194-C-T.
Other names: short protein forms A796V.
Identifiers: ClinVar variation 3071467 (VCV003071467.1), dbSNP rs2545869851, ClinGen allele CA345393389.